The following is an entry in ClinVar:

NM_000170.3(GLDC):c.746C>T (p.Pro249Leu)

Gene: GLDC (glycine decarboxylase; minus strand). Cytogenetic location: 9p24.1.
Variant type: single nucleotide variant.
Coding change: c.746C>T on transcript NM_000170.3 (MANE Select); coding-DNA position 746, C replaced by T.
Protein change: p.Pro249Leu; replaces proline 249 with leucine.
Molecular consequence: missense variant.
Genome position (GRCh38, 1-based): chr9:6,605,246, G>A on the plus strand (C>T on the coding strand, the complement: GLDC is on the minus strand). VCF-style: chr9-6605246-G-A. GRCh37 (hg19) VCF-style: chr9-6605246-G-A.
Other names: c.746C>T (NM_000170.2); short protein forms P249L.
Identifiers: ClinVar variation 1450249 (VCV001450249.5), dbSNP rs754710330, ClinGen allele CA4980993.

ClinVar aggregate classification (germline): Uncertain significance. Review status: criteria provided, multiple submitters, no conflicts (2 of 4 stars). 3 submissions from 3 submitters: Uncertain significance (3). Last evaluated 2025-08-12.

Conditions:
Inborn genetic diseases. Identifiers: MedGen C0950123, MeSH D030342.
Glycine encephalopathy. Also called: Non-ketotic hyperglycinemia; Nonketotic hyperglycinemia. Identifiers: Orphanet 407, MedGen C0751748, MONDO:0011612, HP:0008288.

Allele frequency attached by ClinVar (database versions not stated): gnomAD exomes below 0.00001 and 0.00002; ExAC 0.00002; gnomAD 0.00003.
gnomAD v4.1: 11 of 1,613,488 alleles (0.00068%); highest among the groups gnomAD compares: African/African-American, 0.0093%; no homozygotes.

Submissions (3):

Ambry Genetics
Classification: Uncertain significance for Inborn genetic diseases. Last evaluated: 2025-08-12. Review status: criteria provided, single submitter. Criteria: Ambry Variant Classification Scheme 2023. Collection method: clinical testing. Allele origin: germline.

GeneDx
Classification: Uncertain significance. Last evaluated: 2025-07-15. Review status: criteria provided, single submitter. Criteria: GeneDx Variant Classification Process June 2021. Collection method: clinical testing. Allele origin: germline. Affected: yes.
Comment: Not observed at significant frequency in large population cohorts (gnomAD); In silico analysis suggests that this missense variant does not alter protein structure/function; Has not been previously published as pathogenic or benign to our knowledge

Labcorp Genetics (formerly Invitae), Labcorp
Classification: Uncertain significance for Glycine encephalopathy. Last evaluated: 2022-06-04. Review status: criteria provided, single submitter. Criteria: Invitae Variant Classification Sherloc (09022015). Collection method: clinical testing. Allele origin: germline.
Comment: This sequence change replaces proline, which is neutral and non-polar, with leucine, which is neutral and non-polar, at codon 249 of the GLDC protein (p.Pro249Leu). This variant is present in population databases (rs754710330, gnomAD 0.007%). This variant has not been reported in the literature in individuals affected with GLDC-related conditions. ClinVar contains an entry for this variant (Variation ID: 1450249). Advanced modeling of protein sequence and biophysical properties (such as structural, functional, and spatial information, amino acid conservation, physicochemical variation, residue mobility, and thermodynamic stability) performed at Invitae indicates that this missense variant is not expected to disrupt GLDC protein function. In summary, the available evidence is currently insufficient to determine the role of this variant in disease. Therefore, it has been classified as a Variant of Uncertain Significance.